The following is an entry in ClinVar:

ClinVar aggregate classification (germline): Benign (1 of 4 stars; one submission).

Submission:

GeneDx
Classification: Benign. Last evaluated: 2018-06-15. Review status: criteria provided, single submitter. Criteria: GeneDx Variant Classification (06012015). Collection method: clinical testing. Allele origin: germline. Affected: yes.
Comment: This variant is considered likely benign or benign based on one or more of the following criteria: it is a conservative change, it occurs at a poorly conserved position in the protein, it is predicted to be benign by multiple in silico algorithms, and/or has population frequency not consistent with disease.

NM_003239.5(TGFB3):c.647-80del

Gene: TGFB3 (transforming growth factor beta 3; minus strand). Cytogenetic location: 14q24.3.
Variant type: Deletion.
Coding change: c.647-80del on transcript NM_003239.5 (MANE Select); 80 bases into the intron before coding-DNA position 647, one base deleted (G; older notation c.647-80delG).
Molecular consequence: intron variant.
Genome position (GRCh38, 1-based): chr14:75,965,775, C deleted on the plus strand (G on the coding strand, the reverse complement: TGFB3 is on the minus strand); the first of 2 consecutive C bases (chr14:75,965,775-75,965,776); deleting either gives the same sequence. VCF-style (leftmost placement, unchanged base first): chr14-75965774-GC-G. GRCh37 (hg19) VCF-style: chr14-76432117-GC-G.
Other names: c.647-80del (NM_001329939.2, NM_001329938.2).
Identifiers: ClinVar variation 674787 (VCV000674787.1), dbSNP rs3917188, ClinGen allele CA263704399.